The following is an entry in ClinVar:

NM_000521.4(HEXB):c.559-1G>T

Gene: HEXB (hexosaminidase subunit beta; plus strand). Cytogenetic location: 5q13.3.
Variant type: single nucleotide variant.
Coding change: c.559-1G>T on transcript NM_000521.4 (MANE Select); the canonical splice acceptor site of the intron before coding-DNA position 559, G replaced by T.
Molecular consequence: splice acceptor variant.
Genome position (GRCh38, 1-based): chr5:74,696,995, G>T. VCF-style: chr5-74696995-G-T. GRCh37 (hg19) VCF-style: chr5-73992820-G-T.
Other names: c.-117-1G>T (NM_001292004.2).
Identifiers: ClinVar variation 961091 (VCV000961091.8), dbSNP rs1311903314, ClinGen allele CA360063818.

ClinVar aggregate classification (germline): Likely pathogenic (1 of 4 stars; one submission).

Conditions:
Sandhoff disease. Also called: Beta-hexosaminidase-beta-subunit deficiency; GM2 gangliosidosis, type 2; Total hexosaminidase deficiency; Sandhoff-Jatzkewitz-Pilz disease; GM2-GANGLIOSIDOSIS, TYPE II; HEXOSAMINIDASES A AND B DEFICIENCY. Identifiers: Orphanet 796, MedGen C0036161, MONDO:0010006, OMIM 268800.

Submission:

Labcorp Genetics (formerly Invitae), Labcorp
Classification: Likely pathogenic for Sandhoff disease. Last evaluated: 2019-09-01. Review status: criteria provided, single submitter. Criteria: Invitae Variant Classification Sherloc (09022015). Collection method: clinical testing. Allele origin: germline.
Comment: Algorithms developed to predict the effect of sequence changes on RNA splicing suggest that this variant may disrupt the consensus splice site, but this prediction has not been confirmed by published transcriptional studies. In summary, the currently available evidence indicates that the variant is pathogenic, but additional data are needed to prove that conclusively. Therefore, this variant has been classified as Likely Pathogenic. Donor and acceptor splice site variants typically lead to a loss of protein function (PMID: 16199547), and loss-of-function variants in HEXB are known to be pathogenic (PMID: 7550345, 18758829). This variant has not been reported in the literature in individuals with HEXB-related conditions. This variant is not present in population databases (ExAC no frequency). This sequence change affects an acceptor splice site in intron 4 of the HEXB gene. It is expected to disrupt RNA splicing and likely results in an absent or disrupted protein product.

Literature cited by the submitters: PubMed 16199547; PubMed 7550345; PubMed 18758829.